The following is an entry in ClinVar:

ClinVar aggregate classification (germline): Uncertain significance (1 of 4 stars; one submission).

Allele frequency attached by ClinVar (database versions not stated): gnomAD 0.00002; TOPMed 0.00002.
gnomAD v4.1: 28 of 1,579,924 alleles (0.0018%); highest among the groups gnomAD compares: Non-Finnish European, 0.0024%; no homozygotes.

Submission:

Labcorp Genetics (formerly Invitae), Labcorp
Classification: Uncertain significance. Last evaluated: 2024-04-30. Review status: criteria provided, single submitter. Criteria: Invitae Variant Classification Sherloc (09022015). Collection method: clinical testing. Allele origin: germline.
Comment: This sequence change replaces valine, which is neutral and non-polar, with leucine, which is neutral and non-polar, at codon 119 of the SPPL2A protein (p.Val119Leu). This variant is present in population databases (rs575721916, gnomAD 0.008%). This variant has not been reported in the literature in individuals affected with SPPL2A-related conditions. ClinVar contains an entry for this variant (Variation ID: 1349958). Algorithms developed to predict the effect of missense changes on protein structure and function output the following: SIFT: "Not Available"; PolyPhen-2: "Benign"; Align-GVGD: "Not Available". The leucine amino acid residue is found in multiple mammalian species, which suggests that this missense change does not adversely affect protein function. In summary, the available evidence is currently insufficient to determine the role of this variant in disease. Therefore, it has been classified as a Variant of Uncertain Significance.

NM_032802.4(SPPL2A):c.355G>C (p.Val119Leu)

Gene: SPPL2A (signal peptide peptidase like 2A; minus strand). Cytogenetic location: 15q21.2.
Variant type: single nucleotide variant.
Coding change: c.355G>C on transcript NM_032802.4 (MANE Select); coding-DNA position 355, G replaced by C.
Protein change: p.Val119Leu; replaces valine 119 with leucine.
Molecular consequence: missense variant.
Genome position (GRCh38, 1-based): chr15:50,748,693, C>G on the plus strand (G>C on the coding strand, the complement: SPPL2A is on the minus strand). VCF-style: chr15-50748693-C-G. GRCh37 (hg19) VCF-style: chr15-51040890-C-G.
Other names: short protein forms V119L.
Identifiers: ClinVar variation 1349958 (VCV001349958.6), dbSNP rs575721916, ClinGen allele CA7558531.